The following is an entry in ClinVar:

ClinVar aggregate classification (germline): Uncertain significance (1 of 4 stars; one submission).

Conditions:
Hermansky-Pudlak syndrome 3 (HPS3). Identifiers: Orphanet 231512, Orphanet 79430, MedGen C3888001, MONDO:0013555, OMIM 614072.

Submission:

Myriad Genetics, Inc.
Classification: Uncertain significance for Hermansky-Pudlak syndrome 3. Last evaluated: 2026-04-15. Review status: criteria provided, single submitter. Criteria: Myriad Autosomal Dominant, Autosomal Recessive and X-Linked Classification Criteria (2023). Collection method: clinical testing. Allele origin: unknown.
Comment: NM_032383.3(HPS3):c.2999dupA(K1001Efs*17) is a readthrough frameshift variant classified as a variant of uncertain significance in the context of Hermansky-Pudlak syndrome, HPS3-related. K1001Efs*17 has not been observed in cases with relevant disease. Relevant functional assessments of this variant are not available in the literature. K1001Efs*17 has not been observed in referenced population frequency databases. In summary, there is insufficient evidence to classify NM_032383.3(HPS3):c.2999dupA(K1001Efs*17) as pathogenic or benign. Please note: this variant was assessed in the context of healthy population screening.

NM_032383.5(HPS3):c.2999dup (p.Lys1001fs)

Genes: CP (ceruloplasmin; minus strand), HPS3 (HPS3 biogenesis of lysosomal organelles complex 2 subunit 1; plus strand). Cytogenetic location: 3q24.
Variant type: Duplication.
Coding change: c.2999dup on transcript NM_032383.5 (MANE Select); coding-DNA position 2999, one base duplicated (A; older notation c.2999dupA).
Protein change: p.Lys1001fs; shifts the reading frame from lysine 1001.
Molecular consequence: frameshift variant.
Genome position (GRCh38, 1-based): chr3:149,172,206, A duplicated; the last of 3 consecutive A bases (chr3:149,172,204-149,172,206); duplicating any one gives the same sequence. VCF-style (leftmost placement, unchanged base first): chr3-149172203-G-GA. GRCh37 (hg19) VCF-style: chr3-148889990-G-GA.
Other names: c.2504dup, p.Lys836fs (NM_001308258.2); short protein forms K1001fs, K836fs.
Identifiers: ClinVar variation 5004599 (VCV005004599.1).
Genomic context (GRCh38, chr3:149,172,203, plus strand): 5'-ATGTTCTCCCAGAAGATGGTACTGCAACATTTTTCTTGCCATATCTTCTCTATTGCAGTC[G>GA]AAAGAAACCATTGACTTAAAGGTATCATTTGAAAAATACCATAATGGCATTTGAGACTGA-3'